The following is an entry in ClinVar:

ClinVar aggregate classification (germline): Pathogenic. Review status: criteria provided, multiple submitters, no conflicts (2 of 4 stars). 12 submissions from 12 submitters: Pathogenic (7). 5 of the submissions do not count toward it. Last evaluated 2024-10-23.

Conditions:
HGD-related disorders.
HGD-related disorder. Also called: HGD-related condition.
Alkaptonuria (AKU). Also called: HOMOGENTISIC ACID OXIDASE DEFICIENCY; Alcaptonuria; Alkaptonuric ochronosis; Homogentisic acidura. Identifiers: Orphanet 56, MedGen C0002066, MONDO:0008753, OMIM 203500.

Allele frequency attached by ClinVar (database versions not stated): ExAC 0.00002; gnomAD exomes 0.00002; TOPMed 0.00003; gnomAD 0.00004.
gnomAD v4.1: 33 of 1,612,206 alleles (0.002%); highest among the groups gnomAD compares: Non-Finnish European, 0.0026%; no homozygotes.

Submissions (15):

Blueprint Genetics
Classification: Pathogenic for HGD-related disorders. Last evaluated: 2024-10-23. Review status: criteria provided, single submitter. Criteria: ACMG Guidelines, 2015. Collection method: clinical testing. Allele origin: germline. Affected: yes. Observed: 5 variant alleles.

CeGaT Center for Human Genetics Tuebingen
Classification: Pathogenic. Last evaluated: 2024-07-01. Review status: criteria provided, single submitter. Criteria: CeGaT Center For Human Genetics Tuebingen Variant Classification Criteria Version 2. Collection method: clinical testing. Allele origin: germline. Affected: yes. Observed: 1 variant allele.
Comment: HGD: PM3:Very Strong, PM2, PVS1:Moderate, PP4

Fulgent Genetics
Classification: Pathogenic for Alkaptonuria. Last evaluated: 2024-02-07. Review status: criteria provided, single submitter. Criteria: ACMG Guidelines, 2015. Collection method: clinical testing. Allele origin: germline.

Labcorp Genetics (formerly Invitae), Labcorp
Classification: Pathogenic for Alkaptonuria. Last evaluated: 2023-12-09. Review status: criteria provided, single submitter. Criteria: Invitae Variant Classification Sherloc (09022015). Collection method: clinical testing. Allele origin: germline.
Comment: This sequence change affects an acceptor splice site in intron 1 of the HGD gene. It is expected to disrupt RNA splicing. Variants that disrupt the donor or acceptor splice site typically lead to a loss of protein function (PMID: 16199547), and loss-of-function variants in HGD are known to be pathogenic (PMID: 12501223, 19862842). This variant is present in population databases (rs397515347, gnomAD 0.006%). Disruption of this splice site has been observed in individuals with alkaptonuria (PMID: 10205262, 10482952, 23430897, 25681086). ClinVar contains an entry for this variant (Variation ID: 3170). Algorithms developed to predict the effect of sequence changes on RNA splicing suggest that this variant may disrupt the consensus splice site. For these reasons, this variant has been classified as Pathogenic.

Laboratory for Molecular Medicine, Mass General Brigham Personalized Medicine
Classification: Pathogenic for Alkaptonuria. Last evaluated: 2023-02-02. Review status: criteria provided, single submitter. Criteria: ACMG Guidelines, 2015. Collection method: clinical testing. Allele origin: germline.
Comment: The c.16-1G>A variant in HGD has been reported in at least 10 individuals with alkaptonuria, several of whom were compound heterozgyous for the variant with a second pathogenic or likely pathogenic variant (Beltrán-Valero de Bernabé 1999 PMID: 1020526,Müller 1999 PMID: 10482952, Phornphutkul 2002 PMID: 1250122, Vilboux 2009 PMID: 19862842). It has also been identified in 0.009% (6/68042) of European chromosomes by gnomAD, and has been reported in ClinVar as Pathogenic by multiple submitters (ClinVar ID 3170). This variant occurs within the canonical splice site (+/- 1,2) and is predicted to cause altered splicing leading to an abnormal or absent protein. Loss of function of the HGD gene is an established disease mechanism in autosomal recessive alkaptonuria. In summary, this variant meets criteria to be classifed as pathogenic for autosomal recessive alkaptonuria. ACMG/AMP criteria applied: PM3_VeryStrong, PVS1_Moderate, PM2_Supporting.

Laboratory of Medical Genetics, National & Kapodistrian University of Athens
Classification: Pathogenic for Alkaptonuria. Last evaluated: 2021-10-01. Review status: criteria provided, single submitter. Criteria: ACMG Guidelines, 2015. Collection method: clinical testing. Allele origin: unknown. Affected: yes.
Comment: PVS1, PM2, PP2, PP3, PP4, PP5

Breakthrough Genomics
Classification: Pathogenic for Alkaptonuria. Last evaluated: 2020-10-27. Review status: criteria provided, single submitter. Criteria: ACMG Guidelines, 2015. Collection method: clinical testing. Allele origin: germline. Affected: yes.
Comment: This variant lies in the essential splice acceptor site, in intron 1 of the HGD gene. In-silico splice prediction tools (ASSP and NNSPLICE) suggest that this variant might affect splicing due to the loss of constitutive splice site and introduction of a new splice site, which in turn might lead to a frameshift and consequent premature termination of the protein; this will likely result in loss-of-function. The variant was previously reported in patients diagnosed with alkaptonuria [PMID: 10205262, 25681086, 10482952, 23430897, 20301627]. Loss-of-function variants in HGD are known to be pathogenic [PMID: 12501223, 19862842].

PreventionGenetics, part of Exact Sciences
Classification: Pathogenic for HGD-related condition. Last evaluated: 2024-04-03. Review status: no assertion criteria provided. Collection method: clinical testing. Allele origin: germline. Not counted in ClinVar's aggregate classification.
Comment: The HGD c.16-1G>A variant is predicted to disrupt the AG splice acceptor site and interfere with normal splicing. This variant has been reported in the compound heterozygous state in multiple individuals with alkaptonuria (Table 1, referred to as c.183-1G>A, Müller et al. 1999. PubMed ID: 10482952; Table 1, Beltran-Valero et al. 1999. PubMed ID: 10205262; Table 1, Usher et al. 2015. PubMed ID: 25681086). This variant is reported in 0.0044% of alleles in individuals of European (non-Finnish) descent in gnomAD. Variants that disrupt the consensus splice acceptor site in HGD are expected to be pathogenic. This variant is interpreted as pathogenic.

Counsyl
Classification: Pathogenic for Alkaptonuria. Last evaluated: 2015-12-21. Review status: no assertion criteria provided. Collection method: clinical testing. Allele origin: unknown. Not counted in ClinVar's aggregate classification.

OMIM
Classification: Pathogenic for ALKAPTONURIA. Last evaluated: 1999-09-01. Review status: no assertion criteria provided. Collection method: literature only. Allele origin: germline. Not counted in ClinVar's aggregate classification.

Department Of Human Genetics, Institute Of Clinical And Translational Research, Biomedical Research Center, Slovak Academy Of Sciences
Classification: Pathogenic for Alkaptonuria. Review status: no assertion criteria provided. Collection method: research. Allele origin: germline. Inheritance: Autosomal recessive inheritance. Affected: yes. Observed: 49 variant alleles. Not counted in ClinVar's aggregate classification.
Comment: The variant was originally described in AKU patient in PMID:10482952. It has been submitted to the HGD gene mutation database (DB-ID: AKU_00004).

Dr. Peter K. Rogan Lab, Western University
No classification provided (evidence only). Condition: Clear cell carcinoma of kidney. Review status: no classification provided. Collection method: in vitro. Allele origin: not applicable. Functional consequence: skipped exon. Not counted in ClinVar's aggregate classification.

Dr. Peter K. Rogan Lab, Western University
No classification provided (evidence only). Condition: Familial cancer of breast. Review status: no classification provided. Collection method: in vitro. Allele origin: not applicable. Functional consequence: skipped exon. Not counted in ClinVar's aggregate classification.

Dr. Peter K. Rogan Lab, Western University
No classification provided (evidence only). Condition: Nonpapillary renal cell carcinoma. Review status: no classification provided. Collection method: in vitro. Allele origin: not applicable. Functional consequence: skipped exon. Not counted in ClinVar's aggregate classification.

GeneReviews
No classification provided. Condition: Alkaptonuria. Review status: no classification provided. Collection method: literature only. Allele origin: germline. Not counted in ClinVar's aggregate classification.
Comment: Frequently occurring aberrant splice variant

Literature cited by the submitters: PubMed 16199547 (cited by Labcorp Genetics (formerly Invitae), Labcorp); PubMed 12501223 (cited by Labcorp Genetics (formerly Invitae), Labcorp); PubMed 19862842 (cited by Labcorp Genetics (formerly Invitae), Labcorp); PubMed 10205262 (cited by Labcorp Genetics (formerly Invitae), Labcorp); PubMed 10482952 (cited by 4 submitters); PubMed 23430897 (cited by Labcorp Genetics (formerly Invitae), Labcorp); PubMed 25681086 (cited by Labcorp Genetics (formerly Invitae), Labcorp); PubMed 34008892 (cited by Laboratory of Medical Genetics, National & Kapodistrian University of Athens); PubMed 20301627 (cited by GeneReviews).

NM_000187.4(HGD):c.16-1G>A

Gene: HGD (homogentisate 1,2-dioxygenase; minus strand). Cytogenetic location: 3q13.33.
Variant type: single nucleotide variant.
Coding change: c.16-1G>A on transcript NM_000187.4 (MANE Select); the canonical splice acceptor site of the intron before coding-DNA position 16, G replaced by A.
Molecular consequence: splice acceptor variant.
Genome position (GRCh38, 1-based): chr3:120,675,864, C>T on the plus strand (G>A on the coding strand, the complement: HGD is on the minus strand). VCF-style: chr3-120675864-C-T. GRCh37 (hg19) VCF-style: chr3-120394711-C-T.
Other names: IVS1-1G>A; IVS1AS, G-A, -1.
Identifiers: ClinVar variation 3170 (VCV000003170.39), dbSNP rs397515347, ClinGen allele CA340046.
Genomic context (GRCh38, chr3:120,675,864, plus strand): 5'-CAGGGAACCTGGGCAGCGAGGATCCTCTGAAGAACACTCATTCCCAAATCCAGAAATGTA[C>T]TGTAGGTGACAAAGACACAAATGCCACCATTAGCAGGATTTAAAGAGCATTTCAGAAAAT-3'